The following is an entry in ClinVar:

NM_000369.5(TSHR):c.823G>A (p.Ala275Thr)

Genes: TSHR (thyroid stimulating hormone receptor; plus strand), TSHR-AS1 (TSHR antisense RNA 1; minus strand). Cytogenetic location: 14q31.1.
Variant type: single nucleotide variant.
Coding change: c.823G>A on transcript NM_000369.5 (MANE Select); coding-DNA position 823, G replaced by A.
Protein change: p.Ala275Thr; replaces alanine 275 with threonine.
Molecular consequence: missense variant.
Genome position (GRCh38, 1-based): chr14:81,139,809, G>A. VCF-style: chr14-81139809-G-A. GRCh37 (hg19) VCF-style: chr14-81606153-G-A.
Other names: short protein forms A275T.
Identifiers: ClinVar variation 3336579 (VCV003336579.3).

ClinVar aggregate classification (germline): Likely pathogenic. Review status: criteria provided, multiple submitters, no conflicts (2 of 4 stars). 2 submissions from 2 submitters: Likely pathogenic (2). Last evaluated 2024-05-30.

Conditions:
Hypothyroidism due to TSH receptor mutations. Also called: Hypothyroidism, congenital, nongoitrous, 1; HYPOTHYROIDISM DUE TO UNRESPONSIVENESS TO THYROTROPIN; HYPOTHYROIDISM, CONGENITAL, DUE TO TSH RESISTANCE; HYPOTHYROIDISM, NONAUTOIMMUNE; THYROID-STIMULATING HORMONE, RESISTANCE TO; TSH RESISTANCE. Identifiers: Orphanet 90673, MedGen C3493776, MONDO:0010142, OMIM 275200.

gnomAD v4.1: 6 of 1,614,202 alleles (0.00037%); highest among the groups gnomAD compares: East Asian, 0.013%; no homozygotes.

Submissions (2):

Women's Health and Genetics/Laboratory Corporation of America, LabCorp
Classification: Likely pathogenic for Hypothyroidism due to TSH receptor mutations. Last evaluated: 2024-05-30. Review status: criteria provided, single submitter. Criteria: LabCorp Variant Classification Summary - May 2015. Collection method: clinical testing. Allele origin: germline.
Comment: Variant summary: TSHR c.823G>A (p.Ala275Thr) results in a non-conservative amino acid change in the encoded protein sequence. Five of five in-silico tools predict a damaging effect of the variant on protein function. The variant allele was found at a frequency of 2.4e-05 in 251482 control chromosomes. c.823G>A has been reported in the literature in heterozygous and compound heterozygous state in individuals affected with congenital hypothyroidsm (e.g. Long_2021, Wang_2020, Sun_2018). These data indicate that the variant may be associated with disease. At least one publication reports experimental evidence evaluating an impact on protein function. The most pronounced variant effect results in 10%-<30% of normal Gq-11 signaling activity in 293T cells (Fang_2019). The following publications have been ascertained in the context of this evaluation (PMID: 31356790, 34539567, 29650690, 32425884). No submitters have cited clinical-significance assessments for this variant to ClinVar. Based on the evidence outlined above, the variant was classified as likely pathogenic.

Juno Genomics, Hangzhou Juno Genomics, Inc
Classification: Likely pathogenic for Hypothyroidism due to TSH receptor mutations. Review status: criteria provided, single submitter. Criteria: ACMG Guidelines, 2015. Collection method: clinical testing. Allele origin: germline.
Comment: Absent from controls (or at extremely low frequency if recessive) in Genome Aggregation Database.;Well-established in vitro or in vivo functional studies supportive of a damaging effect on the gene or gene product.;For recessive disorders, detected in trans with a pathogenic variant.;Patient's phenotype or family history is highly specific for a disease with a single genetic etiology.

Literature cited by the submitters: PubMed 32425884 (cited by Women's Health and Genetics/Laboratory Corporation of America, LabCorp); PubMed 34539567 (cited by Women's Health and Genetics/Laboratory Corporation of America, LabCorp); PubMed 29650690 (cited by Women's Health and Genetics/Laboratory Corporation of America, LabCorp); PubMed 31356790 (cited by Women's Health and Genetics/Laboratory Corporation of America, LabCorp).